The following is an entry in ClinVar:

ClinVar aggregate classification (germline): not provided (0 of 4 stars; one submission).

Allele frequency attached by ClinVar (database versions not stated): gnomAD 0.00001; gnomAD exomes 0.00002; ExAC 0.00005.
gnomAD v4.1: 35 of 1,603,018 alleles (0.0022%); highest among the groups gnomAD compares: Admixed American, 0.0034%; no homozygotes.

Submission:

GeneDx
No classification provided. Last evaluated: 2013-11-25. Review status: no classification provided. Criteria: GeneDx Variant Classification (06012015). Collection method: clinical testing. Allele origin: germline. Affected: yes.
Comment: Missense variants in the TTN gene are considered 'unclassified' if they are not previously reported in the literature and do not have >1% frequency in the population to be considered a polymorphism. Research indicates that truncating mutations in the TTN gene are expected to account for approximately 25% of familial and 18% of sporadic idiopathic DCM; however, truncating variants in the TTN gene have been reported in approximately 3% of reported control alleles. There has been little investigation into non-truncating variants. (Herman D et al. Truncations of titin causing dilated cardiomyopathy. N Eng J Med 366:619-628, 2012) The variant is found in DCM-CRDM panel(s).

NM_001267550.2(TTN):c.39703C>G (p.Pro13235Ala)

Gene: TTN (titin; minus strand). Cytogenetic location: 2q31.2.
Variant type: single nucleotide variant.
Coding change: c.39703C>G on transcript NM_001267550.2 (MANE Select); coding-DNA position 39703, C replaced by G.
Protein change: p.Pro13235Ala; replaces proline 13235 with alanine.
Molecular consequence: missense variant. On other transcripts: intron variant (3).
Genome position (GRCh38, 1-based): chr2:178,650,757, G>C on the plus strand (C>G on the coding strand, the complement: TTN is on the minus strand). VCF-style: chr2-178650757-G-C. GRCh37 (hg19) VCF-style: chr2-179515484-G-C.
Other names: p.P11728A:CCA>GCA; c.35182C>G, p.Pro11728Ala (NM_001256850.1); c.32401C>G, p.Pro10801Ala (NM_133378.4); c.13283-8440C>G (NM_003319.4); c.13859-8440C>G (NM_133437.4); c.13658-8440C>G (NM_133432.3); short protein forms P11728A, P13235A, P10801A.
Identifiers: ClinVar variation 202606 (VCV000202606.1), dbSNP rs747619468, ClinGen allele CA309730.
Genomic context (GRCh38, chr2:178,650,757, plus strand): 5'-AAATTAGAAATAGTCGCAAGTGGCAAGGTCATTAATCACCGGTCTCACGTGTACCTTCTG[G>C]GGGAGGAGACTCCGCTCTTTCTGGAACAGGAACAGCTGGTTTCTCTTCCAAGACAGGTTT-3'
Protein context (NP_001254479.2, residues 13225-13245): PVPERAESPP[Pro13235Ala]EVYEEPEEIA